The following is an entry in ClinVar:

NM_005334.3(HCFC1):c.3381C>T (p.Val1127=)

Gene: HCFC1 (host cell factor C1; minus strand). Cytogenetic location: Xq28.
Variant type: single nucleotide variant.
Coding change: c.3381C>T on transcript NM_005334.3 (MANE Select); coding-DNA position 3381, C replaced by T.
Protein change: p.Val1127=; no amino-acid change (valine 1127 retained).
Molecular consequence: synonymous variant.
Genome position (GRCh38, 1-based): chrX:153,955,018, G>A on the plus strand (C>T on the coding strand, the complement: HCFC1 is on the minus strand). VCF-style: chrX-153955018-G-A. GRCh37 (hg19) VCF-style: chrX-153220469-G-A.
Identifiers: ClinVar variation 513484 (VCV000513484.13), dbSNP rs200577062, ClinGen allele CA10557198.

ClinVar aggregate classification (germline): Benign/Likely benign. Review status: criteria provided, multiple submitters, no conflicts (2 of 4 stars). 3 submissions from 3 submitters: Benign (1); Likely benign (2). Last evaluated 2026-01-14.

Conditions:
Methylmalonic acidemia with homocystinuria, type cblX (MAHCX). Also called: INTELLECTUAL DEVELOPMENTAL DISORDER, X-LINKED 3. Identifiers: Orphanet 369962, MedGen C0796208, MONDO:0010657, OMIM 309541.

Allele frequency attached by ClinVar (database versions not stated): gnomAD exomes 0.00005 and 0.00010; ExAC 0.00016; gnomAD 0.00034; ESP Exome Variant Server 0.00038; 1000 Genomes Project 30x 0.00042; TOPMed 0.00047; 1000 Genomes Project 0.00053.

Submissions (3):

Labcorp Genetics (formerly Invitae), Labcorp
Classification: Benign for Methylmalonic acidemia with homocystinuria, type cblX. Last evaluated: 2026-01-14. Review status: criteria provided, single submitter. Criteria: Invitae Variant Classification Sherloc (09022015). Collection method: clinical testing. Allele origin: germline.

Blueprint Genetics
Classification: Likely benign. Last evaluated: 2020-02-14. Review status: criteria provided, single submitter. Criteria: ACMG Guidelines, 2015. Collection method: clinical testing. Allele origin: germline.

GeneDx
Classification: Likely benign. Last evaluated: 2017-11-30. Review status: criteria provided, single submitter. Criteria: GeneDx Variant Classification (06012015). Collection method: clinical testing. Allele origin: germline. Affected: yes.
Comment: This variant is considered likely benign or benign based on one or more of the following criteria: it is a conservative change, it occurs at a poorly conserved position in the protein, it is predicted to be benign by multiple in silico algorithms, and/or has population frequency not consistent with disease.